The following is an entry in ClinVar:

NM_001164508.2(NEB):c.22511del (p.Lys7504fs)

Genes: NEB (nebulin; minus strand), RIF1 (replication timing regulatory factor 1; plus strand). Cytogenetic location: 2q23.3.
Variant type: Deletion.
Coding change: c.22511del on transcript NM_001164508.2 (MANE Select); coding-DNA position 22511, one base deleted (A; older notation c.22511delA).
Protein change: p.Lys7504fs; shifts the reading frame from lysine 7504.
Molecular consequence: frameshift variant.
Genome position (GRCh38, 1-based): chr2:151,519,737, T deleted on the plus strand (A on the coding strand, the reverse complement: NEB is on the minus strand); the first of 4 consecutive T bases (chr2:151,519,737-151,519,740); deleting any one gives the same sequence. VCF-style (leftmost placement, unchanged base first): chr2-151519736-CT-C. GRCh37 (hg19) VCF-style: chr2-152376250-CT-C.
Other names: c.22511del, p.Lys7504fs (NM_001164507.2); c.22616del, p.Lys7539fs (NM_001271208.2); c.17408del, p.Lys5803fs (NM_004543.5); short protein forms K5803fs, K7504fs, K7539fs.
Identifiers: ClinVar variation 937167 (VCV000937167.3), dbSNP rs2080623161, ClinGen allele CA1139657245.

ClinVar aggregate classification (germline): Pathogenic/Likely pathogenic. Review status: criteria provided, multiple submitters, no conflicts (2 of 4 stars). 2 submissions from 2 submitters: Pathogenic (1); Likely pathogenic (1). Last evaluated 2021-11-05.

Conditions:
Nemaline myopathy 2 (NEM2). Also called: Nemaline myopathy 2, autosomal recessive. Identifiers: MedGen C1850569, MONDO:0009725, OMIM 256030.

Submissions (2):

Myriad Genetics, Inc.
Classification: Likely pathogenic for Nemaline myopathy 2. Last evaluated: 2021-11-05. Review status: criteria provided, single submitter. Criteria: Myriad Women's Health Autosomal Recessive and X-Linked Classification Criteria (2021). Collection method: clinical testing. Allele origin: unknown.
Comment: NM_001271208.1(NEB):c.22616delA(K7539Rfs*18) is expected to be pathogenic in the context of NEB-related nemaline myopathy. This variant is predicted to lead to an abnormal or absent protein product due to the creation of a premature termination codon in NEB, a gene where loss-of-function variants are known to be pathogenic. Please note: this variant was assessed in the context of healthy population screening.

Labcorp Genetics (formerly Invitae), Labcorp
Classification: Pathogenic for Nemaline myopathy 2. Last evaluated: 2019-10-09. Review status: criteria provided, single submitter. Criteria: Invitae Variant Classification Sherloc (09022015). Collection method: clinical testing. Allele origin: germline.
Comment: This sequence change creates a premature translational stop signal (p.Lys7539Argfs*18) in the NEB gene. It is expected to result in an absent or disrupted protein product. This variant is not present in population databases (ExAC no frequency). This variant has not been reported in the literature in individuals with NEB-related conditions. Loss-of-function variants in NEB are known to be pathogenic (PMID: 25205138). For these reasons, this variant has been classified as Pathogenic.